The following is an entry in ClinVar:

NM_000307.5(POU3F4):c.235C>T (p.Gln79Ter)

Gene: POU3F4 (POU class 3 homeobox 4; plus strand). Cytogenetic location: Xq21.1.
Variant type: single nucleotide variant.
Coding change: c.235C>T on transcript NM_000307.5 (MANE Select); coding-DNA position 235, C replaced by T.
Protein change: p.Gln79Ter; replaces glutamine 79 with a stop codon.
Molecular consequence: nonsense.
Genome position (GRCh38, 1-based): chrX:83,508,559, C>T. VCF-style: chrX-83508559-C-T. GRCh37 (hg19) VCF-style: chrX-82763567-C-T.
Other names: short protein forms Q79*.
Identifiers: ClinVar variation 236062 (VCV000236062.1), dbSNP rs878853242, ClinGen allele CA10581516.

ClinVar aggregate classification (germline): Pathogenic (0 of 4 stars; one submission).

Conditions:
X-linked mixed hearing loss with perilymphatic gusher. Also called: NANCE DEAFNESS; PERILYMPHATIC GUSHER-DEAFNESS SYNDROME; Gusher syndrome; SENSORINEURAL DEAFNESS, PROFOUND, WITH OR WITHOUT A CONDUCTIVE COMPONENT, ASSOCIATED WITH A UNIQUE DEVELOPMENTAL ABNORMALITY OF THE EAR; Deafness, X-linked 2. Identifiers: Orphanet 383, MedGen C1844678, MONDO:0010576, OMIM 304400.

Submission:

Laboratory of Prof. Karen Avraham, Tel Aviv University
Classification: Pathogenic for X-linked mixed hearing loss with perilymphatic gusher. Last evaluated: 2016-02-19. Review status: no assertion criteria provided. Collection method: research. Allele origin: germline. Affected: yes.
Comment: Congenital, profound HL; Mondini

NSHL; X-linked recessive, DFNX2